The following is an entry in ClinVar:

NM_020638.3(FGF23):c.376G>A (p.Val126Ile)

Gene: FGF23 (fibroblast growth factor 23; minus strand). Cytogenetic location: 12p13.32.
Variant type: single nucleotide variant.
Coding change: c.376G>A on transcript NM_020638.3 (MANE Select); coding-DNA position 376, G replaced by A.
Protein change: p.Val126Ile; replaces valine 126 with isoleucine.
Molecular consequence: missense variant.
Genome position (GRCh38, 1-based): chr12:4,370,723, C>T on the plus strand (G>A on the coding strand, the complement: FGF23 is on the minus strand). VCF-style: chr12-4370723-C-T. GRCh37 (hg19) VCF-style: chr12-4479889-C-T.
Other names: short protein forms V126I.
Identifiers: ClinVar variation 2993999 (VCV002993999.3), dbSNP rs771037970, ClinGen allele CA383416419.
Genomic context (GRCh38, chr12:4,370,723, plus strand): 5'-GGAAGGCTCTCTTCGCCCGGCCCAGACTGACCAGGAAGTGATACTGAGGAGAGTGGTAGA[C>T]GTCGTACCCGTTTTCCAGCGTCTGGTGTTGGAACCTGCAGTTCTCCGGGTCGAAATAGTG-3'
Protein context (NP_065689.1, residues 116-136): QHQTLENGYD[Val126Ile]YHSPQYHFLV

ClinVar aggregate classification (germline): Uncertain significance (1 of 4 stars; one submission).

Submission:

Labcorp Genetics (formerly Invitae), Labcorp
Classification: Uncertain significance. Last evaluated: 2023-11-17. Review status: criteria provided, single submitter. Criteria: Invitae Variant Classification Sherloc (09022015). Collection method: clinical testing. Allele origin: germline.
Comment: This sequence change replaces valine, which is neutral and non-polar, with isoleucine, which is neutral and non-polar, at codon 126 of the FGF23 protein (p.Val126Ile). This variant is not present in population databases (gnomAD no frequency). This variant has not been reported in the literature in individuals affected with FGF23-related conditions. Algorithms developed to predict the effect of missense changes on protein structure and function output the following: SIFT: "Not Available"; PolyPhen-2: "Benign"; Align-GVGD: "Not Available". The isoleucine amino acid residue is found in multiple mammalian species, which suggests that this missense change does not adversely affect protein function. In summary, the available evidence is currently insufficient to determine the role of this variant in disease. Therefore, it has been classified as a Variant of Uncertain Significance.